The following is an entry in ClinVar:

ClinVar aggregate classification (germline): Pathogenic. Review status: criteria provided, multiple submitters, no conflicts (2 of 4 stars). 5 submissions from 5 submitters: Pathogenic (3). 2 of the submissions do not count toward it. Last evaluated 2025-03-31.

Conditions:
Retinal dystrophy. Also called: Inherited retinal dystrophy. Identifiers: Orphanet 71862, MedGen C0854723, MeSH D058499, MONDO:0019118, HP:0000556.
Retinitis pigmentosa 39 (RP39). Identifiers: Orphanet 791, MedGen C3151138, MONDO:0013436, OMIM 613809.

Submissions (5):

Labcorp Genetics (formerly Invitae), Labcorp
Classification: Pathogenic. Last evaluated: 2025-03-31. Review status: criteria provided, single submitter. Criteria: Invitae Variant Classification Sherloc (09022015). Collection method: clinical testing. Allele origin: germline.
Comment: This sequence change creates a premature translational stop signal (p.Val2908Glyfs*29) in the USH2A gene. It is expected to result in an absent or disrupted protein product. Loss-of-function variants in USH2A are known to be pathogenic (PMID: 10729113, 10909849, 20507924, 25649381). This variant is not present in population databases (gnomAD no frequency). This premature translational stop signal has been observed in individual(s) with retinitis pigmentosa (PMID: 26927203). For these reasons, this variant has been classified as Pathogenic.

Baylor Genetics
Classification: Pathogenic for Retinitis pigmentosa 39. Last evaluated: 2023-11-22. Review status: criteria provided, single submitter. Criteria: ACMG Guidelines, 2015. Collection method: clinical testing. Allele origin: unknown.

Institute of Human Genetics, Univ. Regensburg, Univ. Regensburg
Classification: Pathogenic for Retinal dystrophy. Last evaluated: 2019-01-01. Review status: criteria provided, single submitter. Criteria: ACMG Guidelines, 2015. Collection method: clinical testing. Allele origin: germline. Affected: yes.

Clinical Genetics, Academic Medical Center
Classification: Pathogenic. Review status: no assertion criteria provided. Collection method: clinical testing. Allele origin: germline. Affected: yes. Study: VKGL Data-share Consensus. Not counted in ClinVar's aggregate classification.

Joint Genome Diagnostic Labs from Nijmegen and Maastricht, Radboudumc and MUMC+
Classification: Pathogenic. Review status: no assertion criteria provided. Collection method: clinical testing. Allele origin: germline. Affected: yes. Study: VKGL Data-share Consensus. Not counted in ClinVar's aggregate classification.

Literature cited by the submitters: PubMed 10729113 (cited by Labcorp Genetics (formerly Invitae), Labcorp); PubMed 10909849 (cited by Labcorp Genetics (formerly Invitae), Labcorp); PubMed 20507924 (cited by Labcorp Genetics (formerly Invitae), Labcorp); PubMed 25649381 (cited by Labcorp Genetics (formerly Invitae), Labcorp); PubMed 26927203 (cited by Labcorp Genetics (formerly Invitae), Labcorp); PubMed 15015129 (cited by Institute of Human Genetics, Univ. Regensburg, Univ. Regensburg); PubMed 269272 (cited by Institute of Human Genetics, Univ. Regensburg, Univ. Regensburg).

NM_206933.4(USH2A):c.8723_8724del (p.Val2908fs)

Gene: USH2A (usherin; minus strand). Cytogenetic location: 1q41.
Variant type: Microsatellite.
Coding change: c.8723_8724del on transcript NM_206933.4 (MANE Select); coding-DNA positions 8723 to 8724, 2 bases deleted (TG; older notation c.8723_8724delTG).
Protein change: p.Val2908fs; shifts the reading frame from valine 2908.
Molecular consequence: frameshift variant.
Genome position (GRCh38, 1-based): chr1:215,867,128-215,867,129, CA deleted on the plus strand (TG on the coding strand, the reverse complement: USH2A is on the minus strand); deleting any 2 consecutive bases within chr1:215,867,128-215,867,132 gives the same sequence; the c. name uses the placement nearest the transcript's 3' end. VCF-style (leftmost placement, unchanged base first): chr1-215867127-CCA-C. GRCh37 (hg19) VCF-style: chr1-216040469-CCA-C.
Other names: short protein forms V2908fs.
Identifiers: ClinVar variation 1299947 (VCV001299947.7), dbSNP rs2102440742, ClinGen allele CA2580611547.